The following is an entry in ClinVar:

ClinVar aggregate classification (germline): Conflicting classifications of pathogenicity. Review status: criteria provided, conflicting classifications (1 of 4 stars). 2 submissions from 2 submitters: Uncertain significance (1); Likely benign (1). Last evaluated 2026-08-28.

Conditions:
Heterotopia, periventricular, X-linked dominant (PVNH1). Also called: PERIVENTRICULAR NODULAR HETEROTOPIA 4; HETEROTOPIA, PERIVENTRICULAR, 1; PERIVENTRICULAR NODULAR HETEROTOPIA 1; X-linked periventricular heterotopia. Identifiers: Orphanet 2149, Orphanet 82004, MedGen C1848213, MONDO:0010233, OMIM 300049.
Melnick-Needles syndrome (MNS). Also called: Melnick-Needles Syndrome (FLNA-MNS); MELNICK-NEEDLES OSTEODYSPLASTY; OSTEODYSPLASTY OF MELNICK AND NEEDLES. Identifiers: Orphanet 2484, MedGen C0025237, MONDO:0010650, OMIM 309350.
Oto-palato-digital syndrome, type II (OPD2). Also called: Otopalatodigital Syndrome Type 2 (FLNA-OPD2); FACIOPALATOOSSEOUS SYNDROME; Otopalatodigital Syndrome, Type II; OPD II SYNDROME. Identifiers: Orphanet 669, Orphanet 90652, MedGen C1844696, MONDO:0010571, OMIM 304120.
Frontometaphyseal dysplasia (FMD1). Identifiers: Orphanet 1826, MedGen C0265293, MONDO:0015942.
FLNA-related disorder.

Allele frequency attached by ClinVar (database versions not stated): gnomAD exomes below 0.00001 and 0.00001; ExAC 0.00001.
gnomAD v4.1: 4 of 1,210,309 alleles (0.00033%); highest among the groups gnomAD compares: South Asian, 0.0035%; no homozygotes.

Submissions (2):

PreventionGenetics, part of Exact Sciences
Classification: Likely benign for FLNA-related condition. Last evaluated: 2026-08-28. Review status: criteria provided, single submitter. Criteria: ACMG Guidelines, 2015. Collection method: clinical testing. Allele origin: germline.
Comment: This variant is classified as likely benign based on ACMG/AMP sequence variant interpretation guidelines (Richards et al. 2015 PMID: 25741868, with internal and published modifications).

Labcorp Genetics (formerly Invitae), Labcorp
Classification: Uncertain significance for Oto-palato-digital syndrome, type II; Heterotopia, periventricular, X-linked dominant; Frontometaphyseal dysplasia; Melnick-Needles syndrome. Last evaluated: 2024-05-15. Review status: criteria provided, single submitter. Criteria: Invitae Variant Classification Sherloc (09022015). Collection method: clinical testing. Allele origin: germline.
Comment: This sequence change falls in intron 9 of the FLNA gene. It does not directly change the encoded amino acid sequence of the FLNA protein. It affects a nucleotide within the consensus splice site. The frequency data for this variant in the population databases is considered unreliable, as metrics indicate poor data quality at this position in the gnomAD database. This variant has not been reported in the literature in individuals affected with FLNA-related conditions. ClinVar contains an entry for this variant (Variation ID: 1039534). Variants that disrupt the consensus splice site are a relatively common cause of aberrant splicing (PMID: 17576681, 9536098). Algorithms developed to predict the effect of sequence changes on RNA splicing suggest that this variant is not likely to affect RNA splicing. In summary, the available evidence is currently insufficient to determine the role of this variant in disease. Therefore, it has been classified as a Variant of Uncertain Significance.

Literature cited by the submitters: PubMed 17576681 (cited by Labcorp Genetics (formerly Invitae), Labcorp); PubMed 9536098 (cited by Labcorp Genetics (formerly Invitae), Labcorp).

NM_001110556.2(FLNA):c.1430-3C>T

Gene: FLNA (filamin A; minus strand). Cytogenetic location: Xq28.
Variant type: single nucleotide variant.
Coding change: c.1430-3C>T on transcript NM_001110556.2 (MANE Select); 3 bases into the intron before coding-DNA position 1430, C replaced by T.
Molecular consequence: intron variant.
Genome position (GRCh38, 1-based): chrX:154,365,489, G>A on the plus strand (C>T on the coding strand, the complement: FLNA is on the minus strand). VCF-style: chrX-154365489-G-A. GRCh37 (hg19) VCF-style: chrX-153593857-G-A.
Other names: c.1430-3C>T (NM_001456.4, NM_001110556.1).
Identifiers: ClinVar variation 1039534 (VCV001039534.8), dbSNP rs782813433, ClinGen allele CA10561174.